The following is an entry in ClinVar:

ClinVar aggregate classification (germline): Conflicting classifications of pathogenicity. Review status: criteria provided, conflicting classifications (1 of 4 stars). 4 submissions from 4 submitters: Uncertain significance (3); Likely benign (1). Last evaluated 2025-03-22.

Conditions:
Singleton-Merten syndrome 1 (SGMRT1). Also called: Widened medullary cavities of bone, aortic calcification, abnormal dentition, and muscular weakness; Syndrome of widened medullary cavities of the metacarpals and phalanges, aortic calcification and abnormal dentition. Identifiers: Orphanet 85191, MedGen C4225427, MONDO:0024535, OMIM 182250.
Aicardi-Goutieres syndrome 7 (AGS7). Identifiers: Orphanet 51, MedGen C3888244, MONDO:0014367, OMIM 615846.
Inborn genetic diseases. Identifiers: MedGen C0950123, MeSH D030342.
IFIH1-related disorder. Also called: IFIH1-related condition.

Allele frequency attached by ClinVar (database versions not stated): gnomAD 0.00001; gnomAD exomes 0.00002; TOPMed 0.00002; ESP Exome Variant Server 0.00008.
gnomAD v4.1: 29 of 1,612,600 alleles (0.0018%); highest among the groups gnomAD compares: East Asian, 0.0022%; no homozygotes.

Submissions (4):

Ambry Genetics
Classification: Uncertain significance for Inborn genetic diseases. Last evaluated: 2025-03-22. Review status: criteria provided, single submitter. Criteria: Ambry Variant Classification Scheme 2023. Collection method: clinical testing. Allele origin: germline.

PreventionGenetics, part of Exact Sciences
Classification: Uncertain significance for IFIH1-related condition. Last evaluated: 2025-01-30. Review status: criteria provided, single submitter. Criteria: ACMG Guidelines, 2015. Collection method: clinical testing. Allele origin: germline.
Comment: The IFIH1 c.2573T>C variant is predicted to result in the amino acid substitution p.Ile858Thr. To our knowledge, this variant has not been reported in the literature or in a large population database (gnomAD), indicating this variant is rare. At this time, the clinical significance of this variant is uncertain due to the absence of conclusive functional and genetic evidence.

Labcorp Genetics (formerly Invitae), Labcorp
Classification: Likely benign for Aicardi-Goutieres syndrome 7; Singleton-Merten syndrome 1. Last evaluated: 2025-01-13. Review status: criteria provided, single submitter. Criteria: Invitae Variant Classification Sherloc (09022015). Collection method: clinical testing. Allele origin: germline.

Blueprint Genetics
Classification: Uncertain significance. Last evaluated: 2021-04-14. Review status: criteria provided, single submitter. Criteria: ACMG Guidelines, 2015. Collection method: clinical testing. Allele origin: germline.

NM_022168.4(IFIH1):c.2573T>C (p.Ile858Thr)

Gene: IFIH1 (interferon induced with helicase C domain 1; minus strand). Cytogenetic location: 2q24.2.
Variant type: single nucleotide variant.
Coding change: c.2573T>C on transcript NM_022168.4 (MANE Select); coding-DNA position 2573, T replaced by C.
Protein change: p.Ile858Thr; replaces isoleucine 858 with threonine.
Molecular consequence: missense variant.
Genome position (GRCh38, 1-based): chr2:162,272,269, A>G on the plus strand (T>C on the coding strand, the complement: IFIH1 is on the minus strand). VCF-style: chr2-162272269-A-G. GRCh37 (hg19) VCF-style: chr2-163128779-A-G.
Other names: c.2573T>C (NM_022168.3, NM_022168.2); short protein forms I858T.
Identifiers: ClinVar variation 1492627 (VCV001492627.9), dbSNP rs373490708, ClinGen allele CA59655618.